The following is an entry in ClinVar:

NM_014714.4(IFT140):c.4339G>A (p.Ala1447Thr)

Gene: IFT140 (intraflagellar transport 140; minus strand). Cytogenetic location: 16p13.3.
Variant type: single nucleotide variant.
Coding change: c.4339G>A on transcript NM_014714.4 (MANE Select); coding-DNA position 4339, G replaced by A.
Protein change: p.Ala1447Thr; replaces alanine 1447 with threonine.
Molecular consequence: missense variant.
Genome position (GRCh38, 1-based): chr16:1,510,994, C>T on the plus strand (G>A on the coding strand, the complement: IFT140 is on the minus strand). VCF-style: chr16-1510994-C-T. GRCh37 (hg19) VCF-style: chr16-1560995-C-T.
Other names: short protein forms A1447T.
Identifiers: ClinVar variation 1960619 (VCV001960619.3), dbSNP rs755962676, ClinGen allele CA7812779.

ClinVar aggregate classification (germline): Uncertain significance (1 of 4 stars; one submission).

Conditions:
Saldino-Mainzer syndrome (SRTD9). Also called: Renal dysplasia, retinal pigmentary dystrophy, cerebellar ataxia and skeletal dysplasia; CONORENAL SYNDROME; short-rib thoracic dysplasia 9 with or without polydactyly; SHORT-RIB THORACIC DYSPLASIA 9 WITHOUT POLYDACTYLY. Identifiers: Orphanet 140969, MedGen C1849437, MONDO:0009964, OMIM 266920.

Allele frequency attached by ClinVar (database versions not stated): gnomAD 0.00001; ExAC 0.00002.
gnomAD v4.1: 15 of 1,611,284 alleles (0.00093%); highest among the groups gnomAD compares: East Asian, 0.013%; no homozygotes.

Submission:

Labcorp Genetics (formerly Invitae), Labcorp
Classification: Uncertain significance for Saldino-Mainzer syndrome. Last evaluated: 2021-12-20. Review status: criteria provided, single submitter. Criteria: Invitae Variant Classification Sherloc (09022015). Collection method: clinical testing. Allele origin: germline.
Comment: In summary, the available evidence is currently insufficient to determine the role of this variant in disease. Therefore, it has been classified as a Variant of Uncertain Significance. Algorithms developed to predict the effect of missense changes on protein structure and function are either unavailable or do not agree on the potential impact of this missense change (SIFT: "Tolerated"; PolyPhen-2: "Not Available"; Align-GVGD: "Class C0"). This variant has not been reported in the literature in individuals affected with IFT140-related conditions. This variant is present in population databases (rs755962676, gnomAD 0.006%). This sequence change replaces alanine, which is neutral and non-polar, with threonine, which is neutral and polar, at codon 1447 of the IFT140 protein (p.Ala1447Thr).